The following is an entry in ClinVar:

NM_001039141.3(TRIOBP):c.1949C>T (p.Thr650Ile)

Gene: TRIOBP (TRIO and F-actin binding protein; plus strand). Cytogenetic location: 22q13.1.
Variant type: single nucleotide variant.
Coding change: c.1949C>T on transcript NM_001039141.3 (MANE Select); coding-DNA position 1949, C replaced by T.
Protein change: p.Thr650Ile; replaces threonine 650 with isoleucine.
Molecular consequence: missense variant.
Genome position (GRCh38, 1-based): chr22:37,724,505, C>T. VCF-style: chr22-37724505-C-T. GRCh37 (hg19) VCF-style: chr22-38120512-C-T.
Other names: short protein forms T650I.
Identifiers: ClinVar variation 4873980 (VCV004873980.2).

ClinVar aggregate classification (germline): Uncertain significance (1 of 4 stars; one submission).

gnomAD v4.1: 29 of 1,604,746 alleles (0.0018%); highest among the groups gnomAD compares: Admixed American, 0.027%; no homozygotes.

Submission:

CeGaT Center for Human Genetics Tuebingen
Classification: Uncertain significance. Last evaluated: 2026-04-01. Review status: criteria provided, single submitter. Criteria: CeGaT Center For Human Genetics Tuebingen Variant Classification Criteria Version 2. Collection method: clinical testing. Allele origin: germline. Affected: yes. Observed: 1 variant allele.
Comment: TRIOBP: PM2, BP4